The following is an entry in ClinVar:

ClinVar aggregate classification (germline): Likely benign (0 of 4 stars; one submission).

Conditions:
PDZD2-related disorder. Also called: PDZD2-related condition.

Allele frequency attached by ClinVar (database versions not stated): ExAC 0.00003; gnomAD exomes 0.00003; gnomAD 0.00005; ESP Exome Variant Server 0.00008; TOPMed 0.00008.
gnomAD v4.1: 57 of 1,614,046 alleles (0.0035%); highest among the groups gnomAD compares: Middle Eastern, 0.066%; no homozygotes.

Submission:

PreventionGenetics, part of Exact Sciences
Classification: Likely benign for PDZD2-related condition. Last evaluated: 2019-11-27. Review status: no assertion criteria provided. Collection method: clinical testing. Allele origin: germline.
Comment: This variant is classified as likely benign based on ACMG/AMP sequence variant interpretation guidelines (Richards et al. 2015 PMID: 25741868, with internal and published modifications).

NM_178140.4(PDZD2):c.2850G>A (p.Gln950=)

Gene: PDZD2 (PDZ domain containing 2; plus strand). Cytogenetic location: 5p13.3.
Variant type: single nucleotide variant.
Coding change: c.2850G>A on transcript NM_178140.4 (MANE Select); coding-DNA position 2850, G replaced by A.
Protein change: p.Gln950=; no amino-acid change (glutamine 950 retained).
Molecular consequence: synonymous variant.
Genome position (GRCh38, 1-based): chr5:32,073,956, G>A. VCF-style: chr5-32073956-G-A. GRCh37 (hg19) VCF-style: chr5-32074062-G-A.
Identifiers: ClinVar variation 3049254 (VCV003049254.2), dbSNP rs140758435, ClinGen allele CA3219333.
Genomic context (GRCh38, chr5:32,073,956, plus strand): 5'-TGGGCTCTTCCACAAGCAGGTGACAGTTGCCAGACAAGCCAGTCTCCCCGGAAGCCCACA[G>A]GCCCTCCGAAACCCTCTCCTCCGCCAGAGGAAGGTAGGCTGCTACGATGCCAACGATGCC-3'
Protein context (NP_835260.2, residues 940-960): ARQASLPGSP[Gln950=]ALRNPLLRQR